The following is an entry in ClinVar:

NM_170707.4(LMNA):c.151T>C (p.Ser51Pro)

Gene: LMNA (lamin A/C; plus strand). Cytogenetic location: 1q22.
Variant type: single nucleotide variant.
Coding change: c.151T>C on transcript NM_170707.4 (MANE Select); coding-DNA position 151, T replaced by C.
Protein change: p.Ser51Pro; replaces serine 51 with proline.
Molecular consequence: missense variant.
Genome position (GRCh38, 1-based): chr1:156,115,069, T>C. VCF-style: chr1-156115069-T-C. GRCh37 (hg19) VCF-style: chr1-156084860-T-C.
Other names: c.151T>C, p.Ser51Pro (NM_001282625.2, NM_001282626.2, NM_005572.4 and 1 more transcripts); short protein forms S51P.
Identifiers: ClinVar variation 959754 (VCV000959754.13), dbSNP rs1649717627, ClinGen allele CA342807991.
Genomic context (GRCh38, chr1:156,115,069, plus strand): 5'-GAGAAGGAGGACCTGCAGGAGCTCAATGATCGCTTGGCGGTCTACATCGACCGTGTGCGC[T>C]CGCTGGAAACGGAGAACGCAGGGCTGCGCCTTCGCATCACCGAGTCTGAAGAGGTGGTCA-3'
Protein context (NP_733821.1, residues 41-61): RLAVYIDRVR[Ser51Pro]LETENAGLRL

ClinVar aggregate classification (germline): Uncertain significance. Review status: criteria provided, multiple submitters, no conflicts (2 of 4 stars). 2 submissions from 2 submitters: Uncertain significance (2). Last evaluated 2022-07-25.

Conditions:
Charcot-Marie-Tooth disease type 2. Also called: Charcot-Marie-Tooth type 2. Identifiers: Orphanet 64746, MedGen C0270914, MONDO:0018993.

Submissions (2):

Labcorp Genetics (formerly Invitae), Labcorp
Classification: Uncertain significance for Charcot-Marie-Tooth disease type 2. Last evaluated: 2022-07-25. Review status: criteria provided, single submitter. Criteria: Invitae Variant Classification Sherloc (09022015). Collection method: clinical testing. Allele origin: germline.
Comment: In summary, the available evidence is currently insufficient to determine the role of this variant in disease. Therefore, it has been classified as a Variant of Uncertain Significance. Algorithms developed to predict the effect of missense changes on protein structure and function (SIFT, PolyPhen-2, Align-GVGD) all suggest that this variant is likely to be disruptive. ClinVar contains an entry for this variant (Variation ID: 959754). This variant has not been reported in the literature in individuals affected with LMNA-related conditions. This variant is not present in population databases (gnomAD no frequency). This sequence change replaces serine, which is neutral and polar, with proline, which is neutral and non-polar, at codon 51 of the LMNA protein (p.Ser51Pro).

Genetic Services Laboratory, University of Chicago
Classification: Uncertain significance. Last evaluated: 2018-01-26. Review status: criteria provided, single submitter. Criteria: ACMG Guidelines, 2015. Collection method: clinical testing. Allele origin: germline. Affected: no.